The following is an entry in ClinVar:

ClinVar aggregate classification (germline): Uncertain significance (1 of 4 stars; one submission).

Submission:

Labcorp Genetics (formerly Invitae), Labcorp
Classification: Uncertain significance. Last evaluated: 2025-08-29. Review status: criteria provided, single submitter. Criteria: Invitae Variant Classification Sherloc (09022015). Collection method: clinical testing. Allele origin: germline.
Comment: This sequence change replaces valine, which is neutral and non-polar, with leucine, which is neutral and non-polar, at codon 2601 of the VCAN protein (p.Val2601Leu). This variant is not present in population databases (gnomAD no frequency). This variant has not been reported in the literature in individuals affected with VCAN-related conditions. An algorithm developed to predict the effect of missense changes on protein structure and function outputs the following: PolyPhen-2: "Benign". The leucine amino acid residue is found in multiple mammalian species, which suggests that this missense change does not adversely affect protein function. In summary, the available evidence is currently insufficient to determine the role of this variant in disease. Therefore, it has been classified as a Variant of Uncertain Significance.

NM_004385.5(VCAN):c.7801G>T (p.Val2601Leu)

Genes: VCAN (versican; plus strand), VCAN-AS1 (VCAN antisense RNA 1; minus strand). Cytogenetic location: 5q14.3.
Variant type: single nucleotide variant.
Coding change: c.7801G>T on transcript NM_004385.5 (MANE Select); coding-DNA position 7801, G replaced by T.
Protein change: p.Val2601Leu; replaces valine 2601 with leucine.
Molecular consequence: missense variant. On other transcripts: intron variant (2).
Genome position (GRCh38, 1-based): chr5:83,540,804, G>T. VCF-style: chr5-83540804-G-T. GRCh37 (hg19) VCF-style: chr5-82836623-G-T.
Other names: c.4840G>T, p.Val1614Leu (NM_001164097.2); c.4004-4733G>T (NM_001164098.2); c.1043-4733G>T (NM_001126336.3); short protein forms V2601L, V1614L.
Identifiers: ClinVar variation 4766800 (VCV004766800.1).